The following is an entry in ClinVar:

NM_007327.4(GRIN1):c.2386C>G (p.Gln796Glu)

Gene: GRIN1 (glutamate ionotropic receptor NMDA type subunit 1; plus strand). Cytogenetic location: 9q34.3.
Variant type: single nucleotide variant.
Coding change: c.2386C>G on transcript NM_007327.4 (MANE Select); coding-DNA position 2386, C replaced by G.
Protein change: p.Gln796Glu; replaces glutamine 796 with glutamic acid.
Molecular consequence: missense variant.
Genome position (GRCh38, 1-based): chr9:137,163,611, C>G. VCF-style: chr9-137163611-C-G. GRCh37 (hg19) VCF-style: chr9-140058063-C-G.
Other names: c.2386C>G, p.Gln796Glu (NM_000832.7, NM_021569.4); c.2449C>G, p.Gln817Glu (NM_001185090.2, NM_001185091.2); short protein forms Q796E, Q817E.
Identifiers: ClinVar variation 1313366 (VCV001313366.2), dbSNP rs2131302611, ClinGen allele CA375725486.

ClinVar aggregate classification (germline): Uncertain significance (1 of 4 stars; one submission).

Submission:

GeneDx
Classification: Uncertain significance. Last evaluated: 2020-10-14. Review status: criteria provided, single submitter. Criteria: GeneDx Variant Classification Process June 2021. Collection method: clinical testing. Allele origin: germline. Affected: yes.
Comment: Not observed in large population cohorts (Lek et al., 2016); In silico analysis supports that this missense variant does not alter protein structure/function; In silico analysis supports that this missense variant has a deleterious effect on splicing; Has not been previously published as pathogenic or benign to our knowledge